The following is an entry in ClinVar:

ClinVar aggregate classification (germline): Pathogenic. Review status: criteria provided, multiple submitters, no conflicts (2 of 4 stars). 2 submissions from 2 submitters: Pathogenic (2). Last evaluated 2023-09-22.

Conditions:
Duchenne muscular dystrophy (DMD). Also called: MUSCULAR DYSTROPHY, PSEUDOHYPERTROPHIC PROGRESSIVE, DUCHENNE TYPE; Duchenne Muscular Dystrophy (DMD). Identifiers: Orphanet 98896, MedGen C0013264, MONDO:0010679, OMIM 310200.

Submissions (2):

Labcorp Genetics (formerly Invitae), Labcorp
Classification: Pathogenic for Duchenne muscular dystrophy. Last evaluated: 2023-09-22. Review status: criteria provided, single submitter. Criteria: Invitae Variant Classification Sherloc (09022015). Collection method: clinical testing. Allele origin: germline.
Comment: This sequence change affects an acceptor splice site in intron 33 of the DMD gene. It is expected to disrupt RNA splicing. Variants that disrupt the donor or acceptor splice site typically lead to a loss of protein function (PMID: 16199547), and loss-of-function variants in DMD are known to be pathogenic (PMID: 16770791, 25007885). This variant is not present in population databases (gnomAD no frequency). Disruption of this splice site has been observed in individuals with clinical features of DMD-related conditions (PMID: 25972034, 34327855). ClinVar contains an entry for this variant (Variation ID: 984682). Algorithms developed to predict the effect of sequence changes on RNA splicing suggest that this variant may disrupt the consensus splice site. For these reasons, this variant has been classified as Pathogenic.

Centro de Genética y Biología Molecular, Universidad de San Martín de Porres
Classification: Pathogenic for Duchenne muscular dystrophy. Review status: criteria provided, single submitter. Criteria: ACMG Guidelines, 2015. Collection method: clinical testing. Allele origin: germline. Inheritance: X-linked inheritance. Affected: yes. Observed: 1 compound heterozygote.
Comment: The c.4675-1G>A variant has been reported in Leiden Open (source) Variation Database (LOVD) version 3.0 to be classified as pathogenic evidence.

Literature cited by the submitters: PubMed 16199547 (cited by Labcorp Genetics (formerly Invitae), Labcorp); PubMed 16770791 (cited by Labcorp Genetics (formerly Invitae), Labcorp); PubMed 25007885 (cited by Labcorp Genetics (formerly Invitae), Labcorp); PubMed 25972034 (cited by Labcorp Genetics (formerly Invitae), Labcorp); PubMed 34327855 (cited by Labcorp Genetics (formerly Invitae), Labcorp).

NM_004006.3(DMD):c.4675-1G>A

Gene: DMD (dystrophin; minus strand). Cytogenetic location: Xp21.1.
Variant type: single nucleotide variant.
Coding change: c.4675-1G>A on transcript NM_004006.3 (MANE Select); the canonical splice acceptor site of the intron before coding-DNA position 4675, G replaced by A.
Molecular consequence: splice acceptor variant.
Genome position (GRCh38, 1-based): chrX:32,380,681, C>T on the plus strand (G>A on the coding strand, the complement: DMD is on the minus strand). VCF-style: chrX-32380681-C-T. GRCh37 (hg19) VCF-style: chrX-32398798-C-T.
Other names: ChrX:32398798C>T; c.4651-1G>A (NM_000109.4); c.652-1G>A (NM_004011.4); c.643-1G>A (NM_004012.4); c.4663-1G>A (NM_004009.3); c.4306-1G>A (NM_004010.3).
Identifiers: ClinVar variation 984682 (VCV000984682.6), dbSNP rs2097921115, ClinGen allele CA412661723.
Genomic context (GRCh38, chrX:32,380,681, plus strand): 5'-CTTTCGCATCTTACGGGACAATTTCAAGCATTTCTCCAACTGTTGCTTTCTTTCTGTTAC[C>T]TGAAAAGAATTATAATGAAATGTAATTTAGTTTACTCTTTAATTCAAATTTCGTTATAAC-3'